The following is an entry in ClinVar:

ClinVar aggregate classification (germline): Likely benign (1 of 4 stars; one submission).

Conditions:
Charcot-Marie-Tooth disease axonal type 2N (CMT2N). Also called: Charcot-Marie-Tooth Neuropathy Type 2N; CHARCOT-MARIE-TOOTH DISEASE, AXONAL, AUTOSOMAL DOMINANT, TYPE 2N; CHARCOT-MARIE-TOOTH NEUROPATHY, AXONAL, TYPE 2N. Identifiers: Orphanet 228174, MedGen C2750090, MONDO:0013212, OMIM 613287.

Allele frequency attached by ClinVar (database versions not stated): 1000 Genomes Project 30x 0.00187; gnomAD exomes 0.00029; 1000 Genomes Project 0.00180; gnomAD 0.00196 and 0.00211; TOPMed 0.00264.
gnomAD v4.1: 438 of 597,864 alleles (0.073%); highest among the groups gnomAD compares: African/African-American, 0.59%; 3 homozygotes.

Submission:

Illumina Laboratory Services, Illumina
Classification: Likely benign for Charcot-Marie-Tooth disease axonal type 2N. Last evaluated: 2018-01-13. Review status: criteria provided, single submitter. Criteria: ICSL Variant Classification Criteria 13 December 2019. Collection method: clinical testing. Allele origin: germline.
Comment: This variant was observed in the ICSL laboratory as part of a predisposition screen in an ostensibly healthy population. It had not been previously curated by ICSL or reported in the Human Gene Mutation Database (HGMD: prior to June 1st, 2018), and was therefore a candidate for classification through an automated scoring system. Utilizing variant allele frequency, disease prevalence and penetrance estimates, and inheritance mode, an automated score was calculated to assess if this variant is too frequent to cause the disease. Based on the score and internal cut-off values, a variant classified as likely benign is not then subjected to further curation. The score for this variant resulted in a classification of likely benign for this disease.

NM_001605.3(AARS1):c.*213C>T

Gene: AARS1 (alanyl-tRNA synthetase 1; minus strand). Cytogenetic location: 16q22.1.
Variant type: single nucleotide variant.
Coding change: c.*213C>T on transcript NM_001605.3 (MANE Select); 213 bases downstream of the stop codon, C replaced by T.
Molecular consequence: 3 prime UTR variant.
Genome position (GRCh38, 1-based): chr16:70,252,508, G>A on the plus strand (C>T on the coding strand, the complement: AARS1 is on the minus strand). VCF-style: chr16-70252508-G-A. GRCh37 (hg19) VCF-style: chr16-70286411-G-A.
Identifiers: ClinVar variation 320321 (VCV000320321.5), dbSNP rs150625194, ClinGen allele CA10648840.